The following is an entry in ClinVar:

ClinVar aggregate classification (germline): Likely benign (0 of 4 stars; one submission).

Conditions:
KSR2-related disorder. Also called: KSR2-related condition.

gnomAD v4.1: 3 of 1,613,596 alleles (0.00019%); highest among the groups gnomAD compares: East Asian, 0.0045%; no homozygotes.

Submission:

PreventionGenetics, part of Exact Sciences
Classification: Likely benign for KSR2-related condition. Last evaluated: 2021-08-19. Review status: no assertion criteria provided. Collection method: clinical testing. Allele origin: germline.
Comment: This variant is classified as likely benign based on ACMG/AMP sequence variant interpretation guidelines (Richards et al. 2015 PMID: 25741868, with internal and published modifications).

NM_173598.6(KSR2):c.2268C>T (p.Ile756=)

Gene: KSR2 (kinase suppressor of ras 2; minus strand). Cytogenetic location: 12q24.22.
Variant type: single nucleotide variant.
Coding change: c.2268C>T on transcript NM_173598.6 (MANE Select); coding-DNA position 2268, C replaced by T.
Protein change: p.Ile756=; no amino-acid change (isoleucine 756 retained).
Molecular consequence: synonymous variant.
Genome position (GRCh38, 1-based): chr12:117,485,643, G>A on the plus strand (C>T on the coding strand, the complement: KSR2 is on the minus strand). VCF-style: chr12-117485643-G-A. GRCh37 (hg19) VCF-style: chr12-117923448-G-A.
Identifiers: ClinVar variation 3357600 (VCV003357600.1).